The following is an entry in ClinVar:

NM_152564.5(VPS13B):c.9331-12_9331-3dup

Gene: VPS13B (vacuolar protein sorting 13 homolog B; plus strand). Cytogenetic location: 8q22.2.
Variant type: Duplication.
Coding change: c.9331-12_9331-3dup on transcript NM_152564.5 (MANE Select); 12 bases into the intron before coding-DNA position 9331 through 3 bases into the intron before coding-DNA position 9331, 10 bases duplicated (TTTTTTTTTT; older notation c.9331-12_9331-3dupTTTTTTTTTT).
Molecular consequence: intron variant.
Genome position (GRCh38, 1-based): chr8:99,832,357-99,832,366, TTTTTTTTTT duplicated; duplicating any 10 consecutive bases within chr8:99,832,342-99,832,366 gives the same sequence; the c. name uses the placement nearest the transcript's 3' end. VCF-style (leftmost placement, unchanged base first): chr8-99832341-A-ATTTTTTTTTT. GRCh37 (hg19) VCF-style: chr8-100844569-A-ATTTTTTTTTT.
Other names: c.9406-12_9406-3dup (NM_017890.5).
Identifiers: ClinVar variation 3042449 (VCV003042449.2), dbSNP rs370235149, ClinGen allele CA1117121066.

ClinVar aggregate classification (germline): Likely benign (0 of 4 stars; one submission).

Conditions:
VPS13B-related disorder. Also called: VPS13B-related condition.

Submission:

PreventionGenetics, part of Exact Sciences
Classification: Likely benign for VPS13B-related condition. Last evaluated: 2020-03-17. Review status: no assertion criteria provided. Collection method: clinical testing. Allele origin: germline.
Comment: This variant is classified as likely benign based on ACMG/AMP sequence variant interpretation guidelines (Richards et al. 2015 PMID: 25741868, with internal and published modifications).